The following is an entry in ClinVar:

ClinVar aggregate classification (germline): Uncertain significance. Review status: criteria provided, multiple submitters, no conflicts (2 of 4 stars). 4 submissions from 4 submitters: Uncertain significance (4). Last evaluated 2026-01-22.

Conditions:
Familial thoracic aortic aneurysm and aortic dissection (TAAD). Also called: Thoracic aortic aneurysms and dissections. Identifiers: Orphanet 91387, MedGen C4707243, MONDO:0019625.
Aortic aneurysm, familial thoracic 7 (AAT7). Also called: AORTIC DISSECTION, FAMILIAL, WITH OR WITHOUT AORTIC ANEURYSM. Identifiers: MedGen C3151077, MONDO:0013418, OMIM 613780.

Allele frequency attached by ClinVar (database versions not stated): ExAC 0.00002; gnomAD exomes 0.00002 and 0.00003; TOPMed 0.00005.
gnomAD v4.1: 47 of 1,614,140 alleles (0.0029%); highest among the groups gnomAD compares: Admixed American, 0.005%; no homozygotes.

Submissions (4):

Labcorp Genetics (formerly Invitae), Labcorp
Classification: Uncertain significance for Aortic aneurysm, familial thoracic 7. Last evaluated: 2026-01-22. Review status: criteria provided, single submitter. Criteria: Invitae Variant Classification Sherloc (09022015). Collection method: clinical testing. Allele origin: germline.
Comment: This sequence change replaces proline, which is neutral and non-polar, with serine, which is neutral and polar, at codon 1777 of the MYLK protein (p.Pro1777Ser). This variant is present in population databases (rs748200926, gnomAD 0.003%). This variant has not been reported in the literature in individuals affected with MYLK-related conditions. ClinVar contains an entry for this variant (Variation ID: 342868). Invitae Evidence Modeling of protein sequence and biophysical properties (such as structural, functional, and spatial information, amino acid conservation, physicochemical variation, residue mobility, and thermodynamic stability) indicates that this missense variant is not expected to disrupt MYLK protein function with a negative predictive value of 80%. In summary, the available evidence is currently insufficient to determine the role of this variant in disease. Therefore, it has been classified as a Variant of Uncertain Significance.

GeneDx
Classification: Uncertain significance. Last evaluated: 2025-12-09. Review status: criteria provided, single submitter. Criteria: GeneDx Variant Classification Process June 2021. Collection method: clinical testing. Allele origin: germline. Affected: yes.
Comment: Not observed at significant frequency in large population cohorts (gnomAD); In silico analysis supports that this missense variant has a deleterious effect on protein structure/function; This variant is associated with the following publications: (PMID: 36307044)

Ambry Genetics
Classification: Uncertain significance for Familial thoracic aortic aneurysm and aortic dissection. Last evaluated: 2025-11-24. Review status: criteria provided, single submitter. Criteria: Ambry Variant Classification Scheme 2023. Collection method: clinical testing. Allele origin: germline.
Comment: The p.P1777S variant (also known as c.5329C>T), located in coding exon 29 of the MYLK gene, results from a C to T substitution at nucleotide position 5329. The proline at codon 1777 is replaced by serine, an amino acid with similar properties. This amino acid position is conserved. In addition, the in silico prediction for this alteration is inconclusive. Since supporting evidence is limited at this time, the clinical significance of this alteration remains unclear.

Illumina Laboratory Services, Illumina
Classification: Uncertain significance for Aortic aneurysm, familial thoracic 7. Last evaluated: 2018-01-12. Review status: criteria provided, single submitter. Criteria: ICSL Variant Classification Criteria 13 December 2019. Collection method: clinical testing. Allele origin: germline.

NM_053025.4(MYLK):c.5329C>T (p.Pro1777Ser)

Genes: MYLK (myosin light chain kinase; minus strand), MYLK-AS1 (MYLK antisense RNA 1; plus strand). Cytogenetic location: 3q21.1.
Variant type: single nucleotide variant.
Coding change: c.5329C>T on transcript NM_053025.4 (MANE Select); coding-DNA position 5329, C replaced by T.
Protein change: p.Pro1777Ser; replaces proline 1777 with serine.
Molecular consequence: missense variant.
Genome position (GRCh38, 1-based): chr3:123,620,246, G>A on the plus strand (C>T on the coding strand, the complement: MYLK is on the minus strand). VCF-style: chr3-123620246-G-A. GRCh37 (hg19) VCF-style: chr3-123339093-G-A.
Other names: c.4801C>T, p.Pro1601Ser (NM_001321309.2); c.5122C>T, p.Pro1708Ser (NM_053026.4); c.5176C>T, p.Pro1726Ser (NM_053027.4); c.4969C>T, p.Pro1657Ser (NM_053028.4); c.49C>T, p.Pro17Ser (NM_053031.4, NM_053032.4); short protein forms P1777S, P1601S, P1708S, P1726S, P1657S, P17S.
Identifiers: ClinVar variation 342868 (VCV000342868.14), dbSNP rs748200926, ClinGen allele CA072784.